The following is an entry in ClinVar:

NM_000057.4(BLM):c.2823_2823+3del

Gene: BLM (BLM RecQ like helicase; plus strand). Cytogenetic location: 15q26.1.
Variant type: Deletion.
Coding change: c.2823_2823+3del on transcript NM_000057.4 (MANE Select); coding-DNA position 2823 through 3 bases into the intron after coding-DNA position 2823, 4 bases deleted (GGTA; older notation c.2823_2823+3delGGTA).
Molecular consequence: splice donor variant.
Genome position (GRCh38, 1-based): chr15:90,785,081-90,785,084, GGTA deleted; deleting any 4 consecutive bases within chr15:90,785,080-90,785,084 gives the same sequence; the c. name uses the placement nearest the transcript's 3' end. VCF-style (leftmost placement, unchanged base first): chr15-90785079-CAGGT-C. GRCh37 (hg19) VCF-style: chr15-91328309-CAGGT-C.
Other names: c.2823_2823+3del (NM_001287246.2, NM_001287247.2); c.1698_1698+3del (NM_001287248.2).
Identifiers: ClinVar variation 2810667 (VCV002810667.3), dbSNP rs2505502305, ClinGen allele CA2739269815.
Genomic context (GRCh38, chr15:90,785,079, plus strand): 5'-GGCCTCAGTGATTCTGCCAGAGATGAAGTGCAGCAGAAGTGGATTAATCAGGATGGCTGT[CAGGT>C]AACATTTTTAAAGATAAACAAATAATAGAAATAATCTTTTATAGCATATAACCAAACATG-3'

ClinVar aggregate classification (germline): Likely pathogenic (1 of 4 stars; one submission).

Conditions:
Bloom syndrome (BLM). Also called: Bloom-Torre-Machacek syndrome. Identifiers: Orphanet 125, MedGen C0005859, MONDO:0008876, OMIM 210900.

Submission:

Labcorp Genetics (formerly Invitae), Labcorp
Classification: Likely pathogenic for Bloom syndrome. Last evaluated: 2022-10-30. Review status: criteria provided, single submitter. Criteria: Invitae Variant Classification Sherloc (09022015). Collection method: clinical testing. Allele origin: germline.
Comment: This variant results in the deletion of part of exon 14 (c.2823_2823+3del) of the BLM gene. RNA analysis indicates that this variant induces altered splicing and may result in an absent or disrupted protein product. This variant is not present in population databases (gnomAD no frequency). This variant has not been reported in the literature in individuals affected with BLM-related conditions. Studies have shown that this variant results in activation of a cryptic splice site and introduces a premature termination codon (Invitae). The resulting mRNA is expected to undergo nonsense-mediated decay. In summary, the currently available evidence indicates that the variant is pathogenic, but additional data are needed to prove that conclusively. Therefore, this variant has been classified as Likely Pathogenic.